The following is an entry in ClinVar:

ClinVar aggregate classification (germline): Uncertain significance (1 of 4 stars; one submission).

Submission:

Labcorp Genetics (formerly Invitae), Labcorp
Classification: Uncertain significance. Last evaluated: 2023-11-17. Review status: criteria provided, single submitter. Criteria: Invitae Variant Classification Sherloc (09022015). Collection method: clinical testing. Allele origin: germline.
Comment: This sequence change replaces glutamic acid, which is acidic and polar, with glutamine, which is neutral and polar, at codon 1847 of the NIN protein (p.Glu1847Gln). This variant is not present in population databases (gnomAD no frequency). This variant has not been reported in the literature in individuals affected with NIN-related conditions. Algorithms developed to predict the effect of missense changes on protein structure and function output the following: SIFT: "Not Available"; PolyPhen-2: "Benign"; Align-GVGD: "Not Available". The glutamine amino acid residue is found in multiple mammalian species, which suggests that this missense change does not adversely affect protein function. In summary, the available evidence is currently insufficient to determine the role of this variant in disease. Therefore, it has been classified as a Variant of Uncertain Significance.

NM_020921.4(NIN):c.5539G>C (p.Glu1847Gln)

Gene: NIN (ninein; minus strand). Cytogenetic location: 14q22.1.
Variant type: single nucleotide variant.
Coding change: c.5539G>C on transcript NM_020921.4 (MANE Select); coding-DNA position 5539, G replaced by C.
Protein change: p.Glu1847Gln; replaces glutamic acid 1847 with glutamine.
Molecular consequence: missense variant.
Genome position (GRCh38, 1-based): chr14:50,739,397, C>G on the plus strand (G>C on the coding strand, the complement: NIN is on the minus strand). VCF-style: chr14-50739397-C-G. GRCh37 (hg19) VCF-style: chr14-51206115-C-G.
Other names: c.3400G>C, p.Glu1134Gln (NM_016350.5); c.5539G>C, p.Glu1847Gln (NM_182944.3, NM_182946.2); short protein forms E1847Q, E1134Q.
Identifiers: ClinVar variation 2805799 (VCV002805799.3), dbSNP rs2505222212, ClinGen allele CA389677529.